The following is an entry in ClinVar:

ClinVar aggregate classification (germline): Uncertain significance. Review status: criteria provided, multiple submitters, no conflicts (2 of 4 stars). 2 submissions from 2 submitters: Uncertain significance (2). Last evaluated 2024-01-24.

Conditions:
Juvenile myelomonocytic leukemia (JMML). Also called: LEUKEMIA, JUVENILE MYELOMONOCYTIC, SOMATIC. Identifiers: Orphanet 86834, MedGen C0349639, MONDO:0011908, OMIM 607785, HP:0012209.
Hereditary cancer-predisposing syndrome. Also called: Neoplastic Syndromes, Hereditary; Tumor predisposition; Hereditary neoplastic syndrome; Hereditary Cancer Syndrome. Identifiers: Orphanet 140162, MedGen C0027672, MeSH D009386, MONDO:0015356.
Cardiovascular phenotype. Identifiers: MedGen CN230736.

Allele frequency attached by ClinVar (database versions not stated): gnomAD exomes below 0.00001.
gnomAD v4.1: 1 of 1,613,980 alleles (0.000062%); highest among the groups gnomAD compares: Non-Finnish European, 0.000085%; no homozygotes.

Submissions (2):

Baylor Genetics
Classification: Uncertain significance for Juvenile myelomonocytic leukemia. Last evaluated: 2024-01-24. Review status: criteria provided, single submitter. Criteria: ACMG Guidelines, 2015. Collection method: clinical testing. Allele origin: unknown.

Ambry Genetics
Classification: Uncertain significance for Cardiovascular phenotype; Hereditary cancer-predisposing syndrome. Last evaluated: 2023-01-16. Review status: criteria provided, single submitter. Criteria: Ambry Variant Classification Scheme 2023. Collection method: clinical testing. Allele origin: germline.
Comment: The p.I1397T variant (also known as c.4190T>C), located in coding exon 31 of the NF1 gene, results from a T to C substitution at nucleotide position 4190. The isoleucine at codon 1397 is replaced by threonine, an amino acid with similar properties. This amino acid position is conserved. In addition, this alteration is predicted to be deleterious by in silico analysis. Since supporting evidence is limited at this time, the clinical significance of this alteration remains unclear.

NM_001042492.3(NF1):c.4253T>C (p.Ile1418Thr)

Gene: NF1 (neurofibromin 1; plus strand). Cytogenetic location: 17q11.2.
Variant type: single nucleotide variant.
Coding change: c.4253T>C on transcript NM_001042492.3 (MANE Select); coding-DNA position 4253, T replaced by C.
Protein change: p.Ile1418Thr; replaces isoleucine 1418 with threonine.
Molecular consequence: missense variant.
Genome position (GRCh38, 1-based): chr17:31,258,423, T>C. VCF-style: chr17-31258423-T-C. GRCh37 (hg19) VCF-style: chr17-29585441-T-C.
Other names: c.4190T>C, p.Ile1397Thr (NM_000267.4); short protein forms I1397T, I1418T.
Identifiers: ClinVar variation 2452284 (VCV002452284.3), dbSNP rs2508408844, ClinGen allele CA398997905.